The following is an entry in ClinVar:

ClinVar aggregate classification (germline): Uncertain significance. Review status: criteria provided, multiple submitters, no conflicts (2 of 4 stars). 2 submissions from 2 submitters: Uncertain significance (2). Last evaluated 2025-12-11.

Conditions:
Inborn genetic diseases. Identifiers: MedGen C0950123, MeSH D030342.
Holoprosencephaly sequence (HPE). Also called: Holoprosencephaly. Identifiers: Orphanet 2162, MedGen C0079541, MONDO:0016296, HP:0001360.

Allele frequency attached by ClinVar (database versions not stated): 1000 Genomes Project 30x 0.00031; ExAC 0.00002; 1000 Genomes Project 0.00020.

Submissions (2):

Ambry Genetics
Classification: Uncertain significance for Inborn genetic diseases. Last evaluated: 2025-12-11. Review status: criteria provided, single submitter. Criteria: Ambry Variant Classification Scheme 2023. Collection method: clinical testing. Allele origin: germline.

Labcorp Genetics (formerly Invitae), Labcorp
Classification: Uncertain significance for Holoprosencephaly sequence. Last evaluated: 2025-09-29. Review status: criteria provided, single submitter. Criteria: Invitae Variant Classification Sherloc (09022015). Collection method: clinical testing. Allele origin: germline.
Comment: This sequence change replaces glycine, which is neutral and non-polar, with glutamic acid, which is acidic and polar, at codon 322 of the FOXH1 protein (p.Gly322Glu). This variant is present in population databases (rs199639592, gnomAD 0.008%). This variant has not been reported in the literature in individuals affected with FOXH1-related conditions. ClinVar contains an entry for this variant (Variation ID: 2768487). Invitae Evidence Modeling of protein sequence and biophysical properties (such as structural, functional, and spatial information, amino acid conservation, physicochemical variation, residue mobility, and thermodynamic stability) indicates that this missense variant is not expected to disrupt FOXH1 protein function with a negative predictive value of 80%. In summary, the available evidence is currently insufficient to determine the role of this variant in disease. Therefore, it has been classified as a Variant of Uncertain Significance.

NM_003923.3(FOXH1):c.965G>A (p.Gly322Glu)

Gene: FOXH1 (forkhead box H1; minus strand). Cytogenetic location: 8q24.3.
Variant type: single nucleotide variant.
Coding change: c.965G>A on transcript NM_003923.3 (MANE Select); coding-DNA position 965, G replaced by A.
Protein change: p.Gly322Glu; replaces glycine 322 with glutamic acid.
Molecular consequence: missense variant.
Genome position (GRCh38, 1-based): chr8:144,474,371, C>T on the plus strand (G>A on the coding strand, the complement: FOXH1 is on the minus strand). VCF-style: chr8-144474371-C-T. GRCh37 (hg19) VCF-style: chr8-145699754-C-T.
Other names: c.965G>A (NM_003923.2); short protein forms G322E.
Identifiers: ClinVar variation 2768487 (VCV002768487.5), dbSNP rs199639592, ClinGen allele CA4945390.